The following is an entry in ClinVar:

ClinVar aggregate classification (germline): Uncertain significance (1 of 4 stars; one submission).

Conditions:
Developmental and epileptic encephalopathy, 24 (DEE24). Also called: Epileptic encephalopathy, early infantile, 24. Identifiers: Orphanet 442835, MedGen C4014531, MONDO:0014377, OMIM 615871.

Submission:

Dasa
Classification: Uncertain significance for Developmental and epileptic encephalopathy, 24. Last evaluated: 2025-12-17. Review status: criteria provided, single submitter. Criteria: DASA Assertion Criteria. Collection method: clinical testing. Allele origin: germline.
Comment: NM_021072.4(HCN1):c.272A>C (p.Tyr91Ser) is a missense variant that results in the substitution of tyrosine with serine. This variant is absent from population databases. The currently available literature and clinical evidence are not sufficient to establish a definitive association between this variant and the reported condition. Therefore, this variant is classified as a variant of uncertain significance.

NM_021072.4(HCN1):c.272A>C (p.Tyr91Ser)

Gene: HCN1 (hyperpolarization activated cyclic nucleotide gated potassium channel 1; minus strand). Cytogenetic location: 5p12.
Variant type: single nucleotide variant.
Coding change: c.272A>C on transcript NM_021072.4 (MANE Select); coding-DNA position 272, A replaced by C.
Protein change: p.Tyr91Ser; replaces tyrosine 91 with serine.
Molecular consequence: missense variant.
Genome position (GRCh38, 1-based): chr5:45,695,822, T>G on the plus strand (A>C on the coding strand, the complement: HCN1 is on the minus strand). VCF-style: chr5-45695822-T-G. GRCh37 (hg19) VCF-style: chr5-45695924-T-G.
Other names: short protein forms Y91S.
Identifiers: ClinVar variation 4881071 (VCV004881071.2).
Genomic context (GRCh38, chr5:45,695,822, plus strand): 5'-AGGGAGAATTTGTTGACCCCGGGCTGCAGCATGGAGGTGAACTGCCTCTGCATGAAGCCG[T>G]ACTGCCGCCGGGGCCCCTCGGCGTCTTCGAAGCCCCCCGCCGGCTCCTCGCCGCCGCCGC-3'
Protein context (NP_066550.2, residues 81-101): FEDAEGPRRQ[Tyr91Ser]GFMQRQFTSM